The following is an entry in ClinVar:

ClinVar aggregate classification (germline): Uncertain significance. Review status: criteria provided, multiple submitters, no conflicts (2 of 4 stars). 3 submissions from 3 submitters: Uncertain significance (3). Last evaluated 2025-06-18.

Conditions:
Charcot-Marie-Tooth disease type 4A. Also called: Charcot-Marie-Tooth disease, demyelinating, autosomal recessive, type 4a. Identifiers: Orphanet 99948, MedGen C1859198, MONDO:0008961, OMIM 214400.
Inborn genetic diseases. Identifiers: MedGen C0950123, MeSH D030342.
Charcot-Marie-Tooth disease recessive intermediate A (CMTRIA). Also called: CHARCOT-MARIE-TOOTH NEUROPATHY, RECESSIVE INTERMEDIATE A. Identifiers: Orphanet 217055, MedGen C1842197, MONDO:0012014, OMIM 608340.
Charcot-Marie-Tooth disease axonal type 2K (CMT2K). Also called: Charcot-Marie-Tooth disease type 2K; CHARCOT-MARIE-TOOTH DISEASE, AXONAL, AUTOSOMAL RECESSIVE, TYPE 2K; CHARCOT-MARIE-TOOTH NEUROPATHY, AXONAL, TYPE 2K. Identifiers: Orphanet 101097, Orphanet 99944, MedGen C1842983, MONDO:0011916, OMIM 607831.
Charcot-Marie-Tooth disease, axonal, with vocal cord paresis, autosomal recessive. Also called: CMT2 WITH VOCAL CORD PARESIS, AUTOSOMAL RECESSIVE; CHARCOT-MARIE-TOOTH DISEASE, TYPE 4A, AXONAL FORM; CHARCOT-MARIE-TOOTH NEUROPATHY, AXONAL, WITH VOCAL CORD PARESIS, AUTOSOMAL RECESSIVE. Identifiers: Orphanet 101097, MedGen C1843183, MONDO:0011898, OMIM 607706.

Allele frequency attached by ClinVar (database versions not stated): gnomAD exomes 0.00002 and below 0.00001; gnomAD 0.00003; TOPMed 0.00003; ExAC 0.00003; 1000 Genomes Project 0.00020; 1000 Genomes Project 30x 0.00031.

Submissions (3):

Ambry Genetics
Classification: Uncertain significance for Inborn genetic diseases. Last evaluated: 2025-06-18. Review status: criteria provided, single submitter. Criteria: Ambry Variant Classification Scheme 2023. Collection method: clinical testing. Allele origin: germline.

Labcorp Genetics (formerly Invitae), Labcorp
Classification: Uncertain significance for Charcot-Marie-Tooth disease type 4A. Last evaluated: 2024-01-02. Review status: criteria provided, single submitter. Criteria: Invitae Variant Classification Sherloc (09022015). Collection method: clinical testing. Allele origin: germline.
Comment: This sequence change replaces glycine, which is neutral and non-polar, with serine, which is neutral and polar, at codon 241 of the GDAP1 protein (p.Gly241Ser). This variant is present in population databases (rs533081002, gnomAD 0.01%). This variant has not been reported in the literature in individuals affected with GDAP1-related conditions. ClinVar contains an entry for this variant (Variation ID: 655978). An algorithm developed to predict the effect of missense changes on protein structure and function (PolyPhen-2) suggests that this variant is likely to be disruptive. In summary, the available evidence is currently insufficient to determine the role of this variant in disease. Therefore, it has been classified as a Variant of Uncertain Significance.

Fulgent Genetics
Classification: Uncertain significance for Charcot-Marie-Tooth disease type 4A; Charcot-Marie-Tooth disease, axonal, with vocal cord paresis, autosomal recessive; Charcot-Marie-Tooth disease axonal type 2K; Charcot-Marie-Tooth disease recessive intermediate A. Last evaluated: 2022-01-07. Review status: criteria provided, single submitter. Criteria: ACMG Guidelines, 2015. Collection method: clinical testing. Allele origin: unknown.

NM_018972.4(GDAP1):c.721G>A (p.Gly241Ser)

Gene: GDAP1 (ganglioside induced differentiation associated protein 1; plus strand). Cytogenetic location: 8q21.11.
Variant type: single nucleotide variant.
Coding change: c.721G>A on transcript NM_018972.4 (MANE Select); coding-DNA position 721, G replaced by A.
Protein change: p.Gly241Ser; replaces glycine 241 with serine.
Molecular consequence: missense variant. On other transcripts: intron variant (1).
Genome position (GRCh38, 1-based): chr8:74,364,011, G>A. VCF-style: chr8-74364011-G-A. GRCh37 (hg19) VCF-style: chr8-75276246-G-A.
Other names: c.517G>A, p.Gly173Ser (NM_001040875.4); c.394G>A, p.Gly132Ser (NM_001362929.2, NM_001362932.2); c.547G>A, p.Gly183Ser (NM_001362930.2); c.694+958G>A (NM_001362931.2); short protein forms G241S, G173S, G132S, G183S.
Identifiers: ClinVar variation 655978 (VCV000655978.13), dbSNP rs533081002, ClinGen allele CA4785191.